The following is an entry in ClinVar:

ClinVar aggregate classification (germline): Likely pathogenic (1 of 4 stars; one submission).

Conditions:
LAMA2-related muscular dystrophy (LAMA2-RD). Also called: Laminin alpha 2-related dystrophy. Identifiers: MedGen C5679788, MONDO:0100228.

Submission:

Myriad Genetics, Inc.
Classification: Likely pathogenic for LAMA2-related muscular dystrophy. Last evaluated: 2022-05-30. Review status: criteria provided, single submitter. Criteria: Myriad Autosomal Dominant, Autosomal Recessive and X-Linked Classification Criteria (2023). Collection method: clinical testing. Allele origin: unknown.
Comment: NM_000426.3(LAMA2):c.1561_1562delTC(S521Rfs*26) is expected to be pathogenic in the context of muscular dystrophy, LAMA2-related. This variant is predicted to lead to an abnormal or absent protein product due to the creation of a premature termination codon in LAMA2, a gene where loss-of-function variants are known to be pathogenic. Please note: this variant was assessed in the context of healthy population screening.

NM_000426.4(LAMA2):c.1561_1562del (p.Ser521fs)

Gene: LAMA2 (laminin subunit alpha 2; plus strand). Cytogenetic location: 6q22.33.
Variant type: Deletion.
Coding change: c.1561_1562del on transcript NM_000426.4 (MANE Select); coding-DNA positions 1561 to 1562, 2 bases deleted (TC; older notation c.1561_1562delTC).
Protein change: p.Ser521fs; shifts the reading frame from serine 521.
Molecular consequence: frameshift variant.
Genome position (GRCh38, 1-based): chr6:129,190,298-129,190,299, TC deleted. VCF-style (leftmost placement, unchanged base first): chr6-129190297-TTC-T. GRCh37 (hg19) VCF-style: chr6-129511442-TTC-T.
Other names: c.1561_1562del, p.Ser521fs (NM_001079823.2); short protein forms S521fs.
Identifiers: ClinVar variation 1726246 (VCV001726246.3), dbSNP rs2482767452, ClinGen allele CA2580074902.
Genomic context (GRCh38, chr6:129,190,297, plus strand): 5'-CAAATCCGGCTTCTTCAATTTGCAAGAGGATAATTGGAAAGGCTGCGATGAGTGTTTCTG[TTC>T]AGGGGTTTCAAACAGATGTCAGAGTTCCTACTGGACCTATGGCAAAGTAAGCAAGCACCA-3'